The following is an entry in ClinVar:

NM_001110556.2(FLNA):c.6612C>T (p.Pro2204=)

Gene: FLNA (filamin A; minus strand). Cytogenetic location: Xq28.
Variant type: single nucleotide variant.
Coding change: c.6612C>T on transcript NM_001110556.2 (MANE Select); coding-DNA position 6612, C replaced by T.
Protein change: p.Pro2204=; no amino-acid change (proline 2204 retained).
Molecular consequence: synonymous variant.
Genome position (GRCh38, 1-based): chrX:154,352,338, G>A on the plus strand (C>T on the coding strand, the complement: FLNA is on the minus strand). VCF-style: chrX-154352338-G-A. GRCh37 (hg19) VCF-style: chrX-153580706-G-A.
Other names: p.Pro2196=; c.6588C>T, p.Pro2196= (NM_001456.4).
Identifiers: ClinVar variation 447343 (VCV000447343.26), dbSNP rs375499070, ClinGen allele CA10560058.
Genomic context (GRCh38, chrX:154,352,338, plus strand): 5'-GCTCCCAGGCACGTGCTGGCCCTTGTACTTCACGCTGACTGTGTGTGTGCCCATCTCAGC[G>A]GGAACAAAGCGGATGCAGTAGGTGTGGTTCTCCCCTTCCACGATCTCGGCCTCATGGGTC-3'
Protein context (NP_001104026.1, residues 2194-2214): ENHTYCIRFV[Pro2204=]AEMGTHTVSV

ClinVar aggregate classification (germline): Likely benign. Review status: criteria provided, multiple submitters, no conflicts (2 of 4 stars). 7 submissions from 7 submitters: Likely benign (6). 1 of the submissions does not count toward it. Last evaluated 2026-01-23.

Conditions:
Familial thoracic aortic aneurysm and aortic dissection (TAAD). Also called: Thoracic aortic aneurysms and dissections. Identifiers: Orphanet 91387, MedGen C4707243, MONDO:0019625.
FLNA-related disorder.
Heterotopia, periventricular, X-linked dominant (PVNH1). Also called: PERIVENTRICULAR NODULAR HETEROTOPIA 1; X-linked periventricular heterotopia; PERIVENTRICULAR NODULAR HETEROTOPIA 4; HETEROTOPIA, PERIVENTRICULAR, 1. Identifiers: Orphanet 2149, Orphanet 82004, MedGen C1848213, MONDO:0010233, OMIM 300049.
Oto-palato-digital syndrome, type II (OPD2). Also called: FACIOPALATOOSSEOUS SYNDROME; OPD II SYNDROME; Otopalatodigital Syndrome Type 2 (FLNA-OPD2); Otopalatodigital Syndrome, Type II. Identifiers: Orphanet 669, Orphanet 90652, MedGen C1844696, MONDO:0010571, OMIM 304120.
Frontometaphyseal dysplasia (FMD1). Identifiers: Orphanet 1826, MedGen C0265293, MONDO:0015942.
Melnick-Needles syndrome (MNS). Also called: MELNICK-NEEDLES OSTEODYSPLASTY; OSTEODYSPLASTY OF MELNICK AND NEEDLES; Melnick-Needles Syndrome (FLNA-MNS). Identifiers: Orphanet 2484, MedGen C0025237, MONDO:0010650, OMIM 309350.

Allele frequency attached by ClinVar (database versions not stated): ExAC 0.00007; gnomAD exomes 0.00008; TOPMed 0.00008; gnomAD 0.00010; ESP Exome Variant Server 0.00019; 1000 Genomes Project 30x 0.00042.

Submissions (7):

Labcorp Genetics (formerly Invitae), Labcorp
Classification: Likely benign for Oto-palato-digital syndrome, type II; Heterotopia, periventricular, X-linked dominant; Frontometaphyseal dysplasia; Melnick-Needles syndrome. Last evaluated: 2026-01-23. Review status: criteria provided, single submitter. Criteria: Invitae Variant Classification Sherloc (09022015). Collection method: clinical testing. Allele origin: germline.

Mayo Clinic Laboratories, Mayo Clinic
Classification: Likely benign. Last evaluated: 2025-10-09. Review status: criteria provided, single submitter. Criteria: ACMG Guidelines, 2015. Collection method: clinical testing. Allele origin: germline. Observed: 3 variant alleles.
Comment: BP4, BP7

Ambry Genetics
Classification: Likely benign for Familial thoracic aortic aneurysm and aortic dissection. Last evaluated: 2023-05-15. Review status: criteria provided, single submitter. Criteria: Ambry Variant Classification Scheme 2023. Collection method: clinical testing. Allele origin: germline.

GeneDx
Classification: Likely benign. Last evaluated: 2021-02-09. Review status: criteria provided, single submitter. Criteria: GeneDx Variant Classification Process June 2021. Collection method: clinical testing. Allele origin: germline. Affected: yes.

ARUP Laboratories, Molecular Genetics and Genomics, ARUP Laboratories
Classification: Likely benign. Last evaluated: 2019-03-04. Review status: criteria provided, single submitter. Criteria: ARUP Molecular Germline Variant Investigation Process. Collection method: clinical testing. Allele origin: germline.

Athena Diagnostics
Classification: Likely benign. Last evaluated: 2016-10-19. Review status: criteria provided, single submitter. Criteria: Athena Diagnostics Criteria. Collection method: clinical testing. Allele origin: germline.

PreventionGenetics, part of Exact Sciences
Classification: Likely benign for FLNA-related condition. Last evaluated: 2020-01-16. Review status: no assertion criteria provided. Collection method: clinical testing. Allele origin: germline. Not counted in ClinVar's aggregate classification.
Comment: This variant is classified as likely benign based on ACMG/AMP sequence variant interpretation guidelines (Richards et al. 2015 PMID: 25741868, with internal and published modifications).